The following is an entry in ClinVar:

ClinVar aggregate classification (germline): Conflicting classifications of pathogenicity. Review status: criteria provided, conflicting classifications (1 of 4 stars). 3 submissions from 3 submitters: Uncertain significance (2); Likely benign (1). Last evaluated 2025-09-12.

Conditions:
Brugada syndrome. Also called: Sudden unexpected nocturnal death syndrome; Sudden unexplained nocturnal death syndrome; Sudden Unexplained Death Syndrome; Sudden Unexplained Nocturnal Death Syndrome (SUNDS). Identifiers: Orphanet 130, MedGen C1142166, MONDO:0015263.
Cardiovascular phenotype. Identifiers: MedGen CN230736.

Allele frequency attached by ClinVar (database versions not stated): TOPMed 0.00006; gnomAD 0.00007 and 0.00008; ESP Exome Variant Server 0.00008; 1000 Genomes Project 30x 0.00016; 1000 Genomes Project 0.00020.
gnomAD v4.1: 89 of 1,613,938 alleles (0.0055%); highest among the groups gnomAD compares: South Asian, 0.0088%; no homozygotes.

Submissions (3):

Labcorp Genetics (formerly Invitae), Labcorp
Classification: Uncertain significance for Brugada syndrome. Last evaluated: 2025-09-12. Review status: criteria provided, single submitter. Criteria: Invitae Variant Classification Sherloc (09022015). Collection method: clinical testing. Allele origin: germline.
Comment: This sequence change replaces arginine, which is basic and polar, with glutamine, which is neutral and polar, at codon 534 of the SCN10A protein (p.Arg534Gln). This variant is present in population databases (rs147246725, gnomAD 0.01%). This variant has not been reported in the literature in individuals affected with SCN10A-related conditions. ClinVar contains an entry for this variant (Variation ID: 971271). Invitae Evidence Modeling of protein sequence and biophysical properties (such as structural, functional, and spatial information, amino acid conservation, physicochemical variation, residue mobility, and thermodynamic stability) indicates that this missense variant is not expected to disrupt SCN10A protein function with a negative predictive value of 80%. In summary, the available evidence is currently insufficient to determine the role of this variant in disease. Therefore, it has been classified as a Variant of Uncertain Significance.

GeneDx
Classification: Uncertain significance. Last evaluated: 2022-02-25. Review status: criteria provided, single submitter. Criteria: GeneDx Variant Classification Process June 2021. Collection method: clinical testing. Allele origin: germline. Affected: yes.
Comment: Has not been previously published as pathogenic or benign to our knowledge; In silico analysis supports that this missense variant has a deleterious effect on protein structure/function

Ambry Genetics
Classification: Likely benign for Cardiovascular phenotype. Last evaluated: 2019-12-26. Review status: criteria provided, single submitter. Criteria: Ambry Variant Classification Scheme 2023. Collection method: clinical testing. Allele origin: germline.

NM_006514.4(SCN10A):c.1601G>A (p.Arg534Gln)

Gene: SCN10A (sodium voltage-gated channel alpha subunit 10; minus strand). Cytogenetic location: 3p22.2.
Variant type: single nucleotide variant.
Coding change: c.1601G>A on transcript NM_006514.4 (MANE Select); coding-DNA position 1601, G replaced by A.
Protein change: p.Arg534Gln; replaces arginine 534 with glutamine.
Molecular consequence: missense variant. On other transcripts: intron variant (1).
Genome position (GRCh38, 1-based): chr3:38,752,373, C>T on the plus strand (G>A on the coding strand, the complement: SCN10A is on the minus strand). VCF-style: chr3-38752373-C-T. GRCh37 (hg19) VCF-style: chr3-38793864-C-T.
Other names: c.1601G>A, p.Arg534Gln (NM_001293306.2); c.1462-2189G>A (NM_001293307.2); short protein forms R534Q.
Identifiers: ClinVar variation 971271 (VCV000971271.10), dbSNP rs147246725, ClinGen allele CA2320801.